The following is an entry in ClinVar:

NM_033409.4(SLC52A3):c.728G>A (p.Arg243His)

Gene: SLC52A3 (solute carrier family 52 member 3; minus strand). Cytogenetic location: 20p13.
Variant type: single nucleotide variant.
Coding change: c.728G>A on transcript NM_033409.4 (MANE Select); coding-DNA position 728, G replaced by A.
Protein change: p.Arg243His; replaces arginine 243 with histidine.
Molecular consequence: missense variant.
Genome position (GRCh38, 1-based): chr20:763,843, C>T on the plus strand (G>A on the coding strand, the complement: SLC52A3 is on the minus strand). VCF-style: chr20-763843-C-T. GRCh37 (hg19) VCF-style: chr20-744487-C-T.
Other names: c.728G>A, p.Arg243His (NM_001370085.1, NM_001370086.1); short protein forms R243H.
Identifiers: ClinVar variation 651280 (VCV000651280.11), dbSNP rs748986274, ClinGen allele CA9724696.
Genomic context (GRCh38, chr20:763,843, plus strand): 5'-TGGAGGGTGACCTGGTCATTGAGGAGGTCTTCCACGGAAGCCTCCCAGCACCTGGGTTGA[C>T]GCTGGAGGACAAAGAACGCCACGAGGCAGCAGGCCATCATGATGGATAGGAGGAGGAAGA-3'
Protein context (NP_212134.3, residues 233-253): CCLVAFFVLQ[Arg243His]QPRCWEASVE

ClinVar aggregate classification (germline): Uncertain significance. Review status: criteria provided, multiple submitters, no conflicts (2 of 4 stars). 3 submissions from 3 submitters: Uncertain significance (3). Last evaluated 2025-01-09.

Conditions:
Inborn genetic diseases. Identifiers: MedGen C0950123, MeSH D030342.
Brown-Vialetto-van Laere syndrome 1. Also called: BROWN-VIALETTO-VAN LAERE SYNDROME 1, MILD; BULBAR PALSY, PROGRESSIVE, WITH SENSORINEURAL DEAFNESS; PONTOBULBAR PALSY WITH DEAFNESS. Identifiers: Orphanet 572550, Orphanet 97229, MedGen C0796274, MONDO:0024537, OMIM 211530.

Allele frequency attached by ClinVar (database versions not stated): TOPMed 0.00003; ExAC 0.00006; gnomAD exomes 0.00008 and 0.00005; gnomAD 0.00005.

Submissions (3):

Ambry Genetics
Classification: Uncertain significance for Inborn genetic diseases. Last evaluated: 2025-01-09. Review status: criteria provided, single submitter. Criteria: Ambry Variant Classification Scheme 2023. Collection method: clinical testing. Allele origin: germline.

Labcorp Genetics (formerly Invitae), Labcorp
Classification: Uncertain significance for Brown-Vialetto-van Laere syndrome 1. Last evaluated: 2022-07-12. Review status: criteria provided, single submitter. Criteria: Invitae Variant Classification Sherloc (09022015). Collection method: clinical testing. Allele origin: germline.
Comment: This sequence change replaces arginine, which is basic and polar, with histidine, which is basic and polar, at codon 243 of the SLC52A3 protein (p.Arg243His). This variant is present in population databases (rs748986274, gnomAD 0.03%). This variant has not been reported in the literature in individuals affected with SLC52A3-related conditions. ClinVar contains an entry for this variant (Variation ID: 651280). Algorithms developed to predict the effect of missense changes on protein structure and function output the following: SIFT: "Deleterious"; PolyPhen-2: "Benign"; Align-GVGD: "Class C0". The histidine amino acid residue is found in multiple mammalian species, which suggests that this missense change does not adversely affect protein function. In summary, the available evidence is currently insufficient to determine the role of this variant in disease. Therefore, it has been classified as a Variant of Uncertain Significance.

Breakthrough Genomics
Classification: Uncertain significance. Review status: criteria provided, single submitter. Criteria: ACMG Guidelines, 2015. Collection method: not provided. Allele origin: germline. Inheritance: Autosomal dominant inheritance. Affected: yes.